The following is an entry in ClinVar:

NC_000006.11:g.(86251762_86252899)_(86259598_86267693)dup

Gene: SNX14 (sorting nexin 14; minus strand). Cytogenetic location: 6q14.3.
Variant type: Duplication.
Identifiers: ClinVar variation 2627362 (VCV002627362.1).

ClinVar aggregate classification (germline): Likely pathogenic (1 of 4 stars; one submission).

Conditions:
Autosomal recessive spinocerebellar ataxia 20. Identifiers: Orphanet 397709, MedGen C5190595, MONDO:0014601, OMIM 616354.

Submission:

Women's Health and Genetics/Laboratory Corporation of America, LabCorp
Classification: Likely pathogenic for Autosomal recessive spinocerebellar ataxia 20. Last evaluated: 2023-09-29. Review status: criteria provided, single submitter. Criteria: LabCorp Variant Classification Summary - May 2015. Collection method: clinical testing. Allele origin: germline.
Comment: Variant summary: The variant identified by MLPA or other technology involves the duplication of exons 8-14 in the SNX14 gene. A presumed nomenclature of c.(634+1_635-1)_(1389+1_1390-1)dup has been designated for the purposes of this classification. It has been assumed that this is a tandem duplication in direct orientation (Richardson_GIM_2018, Newman_AJHG_2015). Although exact breakpoints of this duplication are not known, it is expected to result in a frameshift in the SNX14 gene, a known mechanism of disease. The variant was absent in 21694 control chromosomes (gnomAD Structural Variants database). The available data on variant occurrences in the general population are insufficient to allow any conclusion about variant significance. To our knowledge, no occurrence of c.(634+1_635-1)_(1389+1_1390-1)dup in individuals affected with Autosomal Recessive Spinocerebellar Ataxia 20 and no experimental evidence demonstrating its impact on protein function have been reported. One submitter has reported clinical-significance assessments for this variant to ClinVar after 2014 and has classified the variant as likely pathogenic. Based on the evidence outlined above, the variant was classified as likely pathogenic.